The following is an entry in ClinVar:

ClinVar aggregate classification (germline): Uncertain significance (1 of 4 stars; one submission).

Submission:

Labcorp Genetics (formerly Invitae), Labcorp
Classification: Uncertain significance. Last evaluated: 2025-03-13. Review status: criteria provided, single submitter. Criteria: Invitae Variant Classification Sherloc (09022015). Collection method: clinical testing. Allele origin: germline.
Comment: This sequence change replaces proline, which is neutral and non-polar, with arginine, which is basic and polar, at codon 2279 of the FLNB protein (p.Pro2279Arg). This variant is not present in population databases (gnomAD no frequency). This variant has not been reported in the literature in individuals affected with FLNB-related conditions. ClinVar contains an entry for this variant (Variation ID: 2814283). Invitae Evidence Modeling of protein sequence and biophysical properties (such as structural, functional, and spatial information, amino acid conservation, physicochemical variation, residue mobility, and thermodynamic stability) indicates that this missense variant is not expected to disrupt FLNB protein function with a negative predictive value of 80%. In summary, the available evidence is currently insufficient to determine the role of this variant in disease. Therefore, it has been classified as a Variant of Uncertain Significance.

NM_001457.4(FLNB):c.6836C>G (p.Pro2279Arg)

Gene: FLNB (filamin B; plus strand). Cytogenetic location: 3p14.3.
Variant type: single nucleotide variant.
Coding change: c.6836C>G on transcript NM_001457.4 (MANE Select); coding-DNA position 6836, C replaced by G.
Protein change: p.Pro2279Arg; replaces proline 2279 with arginine.
Molecular consequence: missense variant.
Genome position (GRCh38, 1-based): chr3:58,156,023, C>G. VCF-style: chr3-58156023-C-G. GRCh37 (hg19) VCF-style: chr3-58141750-C-G.
Other names: c.6929C>G, p.Pro2310Arg (NM_001164317.2); c.6803C>G, p.Pro2268Arg (NM_001164318.2); c.6764C>G, p.Pro2255Arg (NM_001164319.2); short protein forms P2255R, P2279R, P2310R, P2268R.
Identifiers: ClinVar variation 2814283 (VCV002814283.3), dbSNP rs937831006, ClinGen allele CA75477958.